The following is an entry in ClinVar:

ClinVar aggregate classification (germline): Uncertain significance (1 of 4 stars; one submission).

Allele frequency attached by ClinVar (database versions not stated): gnomAD exomes below 0.00001.
gnomAD v4.1: 3 of 1,612,744 alleles (0.00019%); highest among the groups gnomAD compares: Non-Finnish European, 0.00025%; no homozygotes.

Submission:

Labcorp Genetics (formerly Invitae), Labcorp
Classification: Uncertain significance. Last evaluated: 2022-05-20. Review status: criteria provided, single submitter. Criteria: Invitae Variant Classification Sherloc (09022015). Collection method: clinical testing. Allele origin: germline.
Comment: Algorithms developed to predict the effect of missense changes on protein structure and function are either unavailable or do not agree on the potential impact of this missense change (SIFT: "Deleterious"; PolyPhen-2: "Benign"; Align-GVGD: "Class C0"). This variant has not been reported in the literature in individuals affected with KIF11-related conditions. This variant is not present in population databases (gnomAD no frequency). This sequence change replaces glycine, which is neutral and non-polar, with serine, which is neutral and polar, at codon 905 of the KIF11 protein (p.Gly905Ser). In summary, the available evidence is currently insufficient to determine the role of this variant in disease. Therefore, it has been classified as a Variant of Uncertain Significance.

NM_004523.4(KIF11):c.2713G>A (p.Gly905Ser)

Gene: KIF11 (kinesin family member 11; plus strand). Cytogenetic location: 10q23.33.
Variant type: single nucleotide variant.
Coding change: c.2713G>A on transcript NM_004523.4 (MANE Select); coding-DNA position 2713, G replaced by A.
Protein change: p.Gly905Ser; replaces glycine 905 with serine.
Molecular consequence: missense variant.
Genome position (GRCh38, 1-based): chr10:92,648,377, G>A. VCF-style: chr10-92648377-G-A. GRCh37 (hg19) VCF-style: chr10-94408134-G-A.
Other names: short protein forms G905S.
Identifiers: ClinVar variation 2127987 (VCV002127987.4), dbSNP rs2492541047, ClinGen allele CA377805666.